The following is an entry in ClinVar:

ClinVar aggregate classification (germline): Uncertain significance. Review status: criteria provided, multiple submitters, no conflicts (2 of 4 stars). 2 submissions from 2 submitters: Uncertain significance (2). Last evaluated 2025-12-11.

Conditions:
Inborn genetic diseases. Identifiers: MedGen C0950123, MeSH D030342.

gnomAD v4.1: 12 of 1,613,888 alleles (0.00074%); highest among the groups gnomAD compares: East Asian, 0.025%; no homozygotes.

Submissions (2):

Ambry Genetics
Classification: Uncertain significance for Inborn genetic diseases. Last evaluated: 2025-12-11. Review status: criteria provided, single submitter. Criteria: Ambry Variant Classification Scheme 2023. Collection method: clinical testing. Allele origin: germline.

GeneDx
Classification: Uncertain significance. Last evaluated: 2024-01-12. Review status: criteria provided, single submitter. Criteria: GeneDx Variant Classification Process June 2021. Collection method: clinical testing. Allele origin: germline. Affected: yes.
Comment: In silico analysis supports that this missense variant does not alter protein structure/function; Has not been previously published as pathogenic or benign to our knowledge; This variant is associated with the following publications: (PMID: 28545555)

NM_017654.4(SAMD9):c.788A>G (p.His263Arg)

Gene: SAMD9 (sterile alpha motif domain containing 9; minus strand). Cytogenetic location: 7q21.2.
Variant type: single nucleotide variant.
Coding change: c.788A>G on transcript NM_017654.4 (MANE Select); coding-DNA position 788, A replaced by G.
Protein change: p.His263Arg; replaces histidine 263 with arginine.
Molecular consequence: missense variant.
Genome position (GRCh38, 1-based): chr7:93,105,310, T>C on the plus strand (A>G on the coding strand, the complement: SAMD9 is on the minus strand). VCF-style: chr7-93105310-T-C. GRCh37 (hg19) VCF-style: chr7-92734623-T-C.
Other names: c.788A>G, p.His263Arg (NM_001193307.2); short protein forms H263R.
Identifiers: ClinVar variation 3367895 (VCV003367895.3).